The following is an entry in ClinVar:

NM_053025.4(MYLK):c.2681A>G (p.Gln894Arg)

Gene: MYLK (myosin light chain kinase; minus strand). Cytogenetic location: 3q21.1.
Variant type: single nucleotide variant.
Coding change: c.2681A>G on transcript NM_053025.4 (MANE Select); coding-DNA position 2681, A replaced by G.
Protein change: p.Gln894Arg; replaces glutamine 894 with arginine.
Molecular consequence: missense variant.
Genome position (GRCh38, 1-based): chr3:123,700,787, T>C on the plus strand (A>G on the coding strand, the complement: MYLK is on the minus strand). VCF-style: chr3-123700787-T-C. GRCh37 (hg19) VCF-style: chr3-123419634-T-C.
Other names: c.2153A>G, p.Gln718Arg (NM_001321309.2); c.2474A>G, p.Gln825Arg (NM_053026.4, NM_053028.4); c.2681A>G, p.Gln894Arg (NM_053027.4); c.2681A>G (NM_053025.3); short protein forms Q718R, Q825R, Q894R.
Identifiers: ClinVar variation 2152378 (VCV002152378.5), dbSNP rs2474185170, ClinGen allele CA354231931.

ClinVar aggregate classification (germline): Uncertain significance. Review status: criteria provided, multiple submitters, no conflicts (2 of 4 stars). 2 submissions from 2 submitters: Uncertain significance (2). Last evaluated 2025-10-02.

Conditions:
Familial thoracic aortic aneurysm and aortic dissection (TAAD). Also called: Thoracic aortic aneurysms and dissections. Identifiers: Orphanet 91387, MedGen C4707243, MONDO:0019625.
Aortic aneurysm, familial thoracic 7 (AAT7). Also called: AORTIC DISSECTION, FAMILIAL, WITH OR WITHOUT AORTIC ANEURYSM. Identifiers: MedGen C3151077, MONDO:0013418, OMIM 613780.

Allele frequency attached by ClinVar (database versions not stated): gnomAD exomes below 0.00001.
gnomAD v4.1: 8 of 1,614,260 alleles (0.0005%); highest among the groups gnomAD compares: Non-Finnish European, 0.00059%; no homozygotes.

Submissions (2):

Ambry Genetics
Classification: Uncertain significance for Familial thoracic aortic aneurysm and aortic dissection. Last evaluated: 2025-10-02. Review status: criteria provided, single submitter. Criteria: Ambry Variant Classification Scheme 2023. Collection method: clinical testing. Allele origin: germline.

Labcorp Genetics (formerly Invitae), Labcorp
Classification: Uncertain significance for Aortic aneurysm, familial thoracic 7. Last evaluated: 2025-07-08. Review status: criteria provided, single submitter. Criteria: Invitae Variant Classification Sherloc (09022015). Collection method: clinical testing. Allele origin: germline.
Comment: This sequence change replaces glutamine, which is neutral and polar, with arginine, which is basic and polar, at codon 894 of the MYLK protein (p.Gln894Arg). This variant is not present in population databases (gnomAD no frequency). This variant has not been reported in the literature in individuals affected with MYLK-related conditions. ClinVar contains an entry for this variant (Variation ID: 2152378). Invitae Evidence Modeling of protein sequence and biophysical properties (such as structural, functional, and spatial information, amino acid conservation, physicochemical variation, residue mobility, and thermodynamic stability) indicates that this missense variant is not expected to disrupt MYLK protein function with a negative predictive value of 80%. In summary, the available evidence is currently insufficient to determine the role of this variant in disease. Therefore, it has been classified as a Variant of Uncertain Significance.